The following is an entry in ClinVar:

NM_002067.5(GNA11):c.637C>T (p.Arg213Trp)

Gene: GNA11 (G protein subunit alpha 11; plus strand). Cytogenetic location: 19p13.3.
Variant type: single nucleotide variant.
Coding change: c.637C>T on transcript NM_002067.5 (MANE Select); coding-DNA position 637, C replaced by T.
Protein change: p.Arg213Trp; replaces arginine 213 with tryptophan.
Molecular consequence: missense variant.
Genome position (GRCh38, 1-based): chr19:3,118,955, C>T. VCF-style: chr19-3118955-C-T. GRCh37 (hg19) VCF-style: chr19-3118953-C-T.
Other names: short protein forms R213W.
Identifiers: ClinVar variation 4708494 (VCV004708494.1).

ClinVar aggregate classification (germline): Uncertain significance (1 of 4 stars; one submission).

gnomAD v4.1: 1 of 1,613,442 alleles (0.000062%); highest among the groups gnomAD compares: Non-Finnish European, 0.000085%; no homozygotes.

Submission:

Labcorp Genetics (formerly Invitae), Labcorp
Classification: Uncertain significance. Last evaluated: 2025-12-16. Review status: criteria provided, single submitter. Criteria: Invitae Variant Classification Sherloc (09022015). Collection method: clinical testing. Allele origin: germline.
Comment: This sequence change replaces arginine, which is basic and polar, with tryptophan, which is neutral and slightly polar, at codon 213 of the GNA11 protein (p.Arg213Trp). This variant is present in population databases (rs777912441, gnomAD 0.0009%). This variant has not been reported in the literature in individuals affected with GNA11-related conditions. Invitae Evidence Modeling of protein sequence and biophysical properties (such as structural, functional, and spatial information, amino acid conservation, physicochemical variation, residue mobility, and thermodynamic stability) indicates that this missense variant is expected to disrupt GNA11 protein function with a positive predictive value of 80%. In summary, the available evidence is currently insufficient to determine the role of this variant in disease. Therefore, it has been classified as a Variant of Uncertain Significance.